The following is an entry in ClinVar:

ClinVar aggregate classification (germline): Uncertain significance. Review status: criteria provided, multiple submitters, no conflicts (2 of 4 stars). 4 submissions from 4 submitters: Uncertain significance (3). 1 of the submissions does not count toward it. Last evaluated 2026-01-21.

Conditions:
Inborn genetic diseases. Identifiers: MedGen C0950123, MeSH D030342.
Agenesis of the corpus callosum with peripheral neuropathy (ACCPN). Also called: Hereditary Motor and Sensory Neuropathy with Agenesis of the Corpus Callosum; POLYNEUROPATHY, SENSORIMOTOR, WITH OR WITHOUT AGENESIS OF THE CORPUS CALLOSUM; HMSN/ACC; CHARLEVOIX DISEASE. Identifiers: Orphanet 1496, MedGen C0795950, MONDO:0000902, OMIM 218000. Disease mechanism: loss of function.

Allele frequency attached by ClinVar (database versions not stated): gnomAD 0.00001; gnomAD exomes 0.00001 and 0.00002; ExAC 0.00002; TOPMed 0.00004.
gnomAD v4.1: 14 of 1,535,996 alleles (0.00091%); highest among the groups gnomAD compares: Admixed American, 0.005%; no homozygotes.

Submissions (4):

Labcorp Genetics (formerly Invitae), Labcorp
Classification: Uncertain significance. Last evaluated: 2026-01-21. Review status: criteria provided, single submitter. Criteria: Invitae Variant Classification Sherloc (09022015). Collection method: clinical testing. Allele origin: germline.
Comment: This sequence change replaces valine, which is neutral and non-polar, with alanine, which is neutral and non-polar, at codon 609 of the SLC12A6 protein (p.Val609Ala). This variant is present in population databases (rs747694318, gnomAD 0.007%). This variant has not been reported in the literature in individuals affected with SLC12A6-related conditions. ClinVar contains an entry for this variant (Variation ID: 991873). An algorithm developed to predict the effect of missense changes on protein structure and function (PolyPhen-2) suggests that this variant is likely to be disruptive. Algorithms developed to predict the effect of sequence changes on RNA splicing suggest that this variant may disrupt the consensus splice site. In summary, the available evidence is currently insufficient to determine the role of this variant in disease. Therefore, it has been classified as a Variant of Uncertain Significance.

Ambry Genetics
Classification: Uncertain significance for Inborn genetic diseases. Last evaluated: 2025-01-16. Review status: criteria provided, single submitter. Criteria: Ambry Variant Classification Scheme 2023. Collection method: clinical testing. Allele origin: germline.
Comment: The p.V609A variant (also known as c.1826T>C), located in coding exon 14 of the SLC12A6 gene, results from a T to C substitution at nucleotide position 1826. The valine at codon 609 is replaced by alanine, an amino acid with similar properties. This amino acid position is conserved. In addition, this alteration is predicted to be deleterious by in silico analysis. Based on the available evidence, the clinical significance of this variant remains unclear.

Fulgent Genetics
Classification: Uncertain significance for Agenesis of the corpus callosum with peripheral neuropathy. Last evaluated: 2021-08-26. Review status: criteria provided, single submitter. Criteria: ACMG Guidelines, 2015. Collection method: clinical testing. Allele origin: unknown.

Natera, Inc.
Classification: Uncertain significance for Andermann syndrome. Last evaluated: 2020-04-18. Review status: no assertion criteria provided. Collection method: clinical testing. Allele origin: germline. Not counted in ClinVar's aggregate classification.

NM_001365088.1(SLC12A6):c.1826T>C (p.Val609Ala)

Gene: SLC12A6 (solute carrier family 12 member 6; minus strand). Cytogenetic location: 15q14.
Variant type: single nucleotide variant.
Coding change: c.1826T>C on transcript NM_001365088.1 (MANE Select); coding-DNA position 1826, T replaced by C.
Protein change: p.Val609Ala; replaces valine 609 with alanine.
Molecular consequence: missense variant.
Genome position (GRCh38, 1-based): chr15:34,245,402, A>G on the plus strand (T>C on the coding strand, the complement: SLC12A6 is on the minus strand). VCF-style: chr15-34245402-A-G. GRCh37 (hg19) VCF-style: chr15-34537603-A-G.
Other names: c.1649T>C, p.Val550Ala (NM_001042494.2, NM_001042495.2); c.1799T>C, p.Val600Ala (NM_001042496.2); c.1781T>C, p.Val594Ala (NM_001042497.2); c.1673T>C, p.Val558Ala (NM_005135.2); c.1826T>C, p.Val609Ala (NM_133647.2); short protein forms V550A, V558A, V594A, V600A, V609A.
Identifiers: ClinVar variation 991873 (VCV000991873.7), dbSNP rs747694318, ClinGen allele CA7464205.
Genomic context (GRCh38, chr15:34,245,402, plus strand): 5'-ATGGCAGCAGTTAGAAGTAAAGCCCAGGTAGGTTCCCCATTGGCTTTGCTGTGGCCAAAA[A>G]CCTGTACACAGAAGGGAAATATCAGGCACAGGAGTACTGAGTCATTGCTCTCTGATTTCT-3'
Protein context (NP_001352017.1, residues 599-619): AKDNIIPFLR[Val609Ala]FGHSKANGEP